The following is an entry in ClinVar:

NM_000093.5(COL5A1):c.2543G>A (p.Arg848His)

Gene: COL5A1 (collagen type V alpha 1 chain; plus strand). Cytogenetic location: 9q34.3.
Variant type: single nucleotide variant.
Coding change: c.2543G>A on transcript NM_000093.5 (MANE Select); coding-DNA position 2543, G replaced by A.
Protein change: p.Arg848His; replaces arginine 848 with histidine.
Molecular consequence: missense variant.
Genome position (GRCh38, 1-based): chr9:134,785,047, G>A. VCF-style: chr9-134785047-G-A. GRCh37 (hg19) VCF-style: chr9-137676893-G-A.
Other names: c.2543G>A, p.Arg848His (NM_001278074.1); short protein forms R848H.
Identifiers: ClinVar variation 519654 (VCV000519654.20), dbSNP rs767925708, ClinGen allele CA5319445.

ClinVar aggregate classification (germline): Uncertain significance. Review status: criteria provided, multiple submitters, no conflicts (2 of 4 stars). 3 submissions from 3 submitters: Uncertain significance (3). Last evaluated 2025-08-11.

Conditions:
Familial thoracic aortic aneurysm and aortic dissection (TAAD). Also called: Thoracic aortic aneurysms and dissections. Identifiers: Orphanet 91387, MedGen C4707243, MONDO:0019625.
Ehlers-Danlos syndrome, classic type, 1 (EDSCL1). Also called: Ehlers-Danlos Syndrome, Classic Type, COL5A1-Related; EDS I; Ehlers-Danlos syndrome, type 1; EHLERS-DANLOS SYNDROME, GRAVIS TYPE; EHLERS-DANLOS SYNDROME, SEVERE CLASSIC TYPE. Identifiers: MedGen C0268335, MONDO:0019567, OMIM 130000.

Allele frequency attached by ClinVar (database versions not stated): gnomAD exomes 0.00001 and 0.00002; TOPMed 0.00002; ExAC 0.00002; gnomAD 0.00001.
gnomAD v4.1: 12 of 1,613,280 alleles (0.00074%); highest among the groups gnomAD compares: South Asian, 0.0033%; no homozygotes.

Submissions (3):

Labcorp Genetics (formerly Invitae), Labcorp
Classification: Uncertain significance for Ehlers-Danlos syndrome, classic type, 1. Last evaluated: 2025-08-11. Review status: criteria provided, single submitter. Criteria: Invitae Variant Classification Sherloc (09022015). Collection method: clinical testing. Allele origin: germline.
Comment: This sequence change replaces arginine, which is basic and polar, with histidine, which is basic and polar, at codon 848 of the COL5A1 protein (p.Arg848His). This variant is present in population databases (rs767925708, gnomAD 0.004%). This variant has not been reported in the literature in individuals affected with COL5A1-related conditions. ClinVar contains an entry for this variant (Variation ID: 519654). Invitae Evidence Modeling of protein sequence and biophysical properties (such as structural, functional, and spatial information, amino acid conservation, physicochemical variation, residue mobility, and thermodynamic stability) has been performed for this missense variant. However, the output from this modeling did not meet the statistical confidence thresholds required to predict the impact of this variant on COL5A1 protein function. In summary, the available evidence is currently insufficient to determine the role of this variant in disease. Therefore, it has been classified as a Variant of Uncertain Significance.

ARUP Laboratories, Molecular Genetics and Genomics, ARUP Laboratories
Classification: Uncertain significance. Last evaluated: 2021-11-18. Review status: criteria provided, single submitter. Criteria: ARUP Molecular Germline Variant Investigation Process 2021. Collection method: clinical testing. Allele origin: germline.
Comment: The COL5A1 c.2543G>A; p.Arg848His variant (rs767925708), to our knowledge, is not reported in the medical literature but is reported in ClinVar (Variation ID: 519654). The variant is reported in the non-Finnish European population with an allele frequency of 0.0036% (4/112,686 alleles) in the Genome Aggregation Database. The arginine at codon 848 is part of the highly conserved Gly-X-Y repeat region, the arginine is highly conserved, and computational analyses predict that this variant is deleterious (REVEL: 0.757). However, due to limited information, the clinical significance of the p.Arg848His variant is uncertain at this time.

Ambry Genetics
Classification: Uncertain significance for Familial thoracic aortic aneurysm and aortic dissection. Last evaluated: 2017-07-14. Review status: criteria provided, single submitter. Criteria: Ambry Variant Classification Scheme 2023. Collection method: clinical testing. Allele origin: germline.
Comment: The p.R848H variant (also known as c.2543G>A), located in coding exon 30 of the COL5A1 gene, results from a G to A substitution at nucleotide position 2543. The arginine at codon 848 is replaced by histidine, an amino acid with highly similar properties. This amino acid position is highly conserved in available vertebrate species. In addition, the in silico prediction for this alteration is inconclusive. Since supporting evidence is limited at this time, the clinical significance of this alteration remains unclear.